The following is an entry in ClinVar:

NM_006579.3(EBP):c.301+2_301+3del

Gene: EBP (EBP cholestenol delta-isomerase; plus strand). Cytogenetic location: Xp11.23.
Variant type: Microsatellite.
Coding change: c.301+2_301+3del on transcript NM_006579.3 (MANE Select); the canonical splice donor site of the intron after coding-DNA position 301 through 3 bases into the intron after coding-DNA position 301, 2 bases deleted (TG; older notation c.301+2_301+3delTG).
Molecular consequence: splice donor variant.
Genome position (GRCh38, 1-based): chrX:48,524,074-48,524,075, TG deleted; deleting any 2 consecutive bases within chrX:48,524,072-48,524,075 gives the same sequence; the c. name uses the placement nearest the transcript's 3' end. VCF-style (leftmost placement, unchanged base first): chrX-48524071-CTG-C. GRCh37 (hg19) VCF-style: chrX-48382459-CTG-C.
Identifiers: ClinVar variation 2632981 (VCV002632981.9), dbSNP rs2519522435, ClinGen allele CA2695200193.

ClinVar aggregate classification (germline): Likely pathogenic. Review status: criteria provided, multiple submitters, no conflicts (2 of 4 stars). 2 submissions from 2 submitters: Likely pathogenic (2). Last evaluated 2025-06-01.

Conditions:
EBP-related disorder. Also called: EBP-related condition.

Submissions (2):

CeGaT Center for Human Genetics Tuebingen
Classification: Likely pathogenic. Last evaluated: 2025-06-01. Review status: criteria provided, single submitter. Criteria: CeGaT Center For Human Genetics Tuebingen Variant Classification Criteria Version 2. Collection method: clinical testing. Allele origin: germline. Affected: yes. Observed: 1 variant allele.
Comment: EBP: PVS1:Strong, PM2, PS2:Moderate, PS4:Supporting

PreventionGenetics, part of Exact Sciences
Classification: Likely pathogenic for EBP-related condition. Last evaluated: 2023-04-19. Review status: criteria provided, single submitter. Criteria: ACMG Guidelines, 2015. Collection method: clinical testing. Allele origin: germline.
Comment: The EBP c.301+2_301+3delTG variant is predicted to result in an intronic deletion. This variant has been reported in an individual with X-linked dominant chondrodysplasia punctata (reported as IVS2+1delGT in Whittock et al. 2003. PubMed ID: 14632217). This variant has not been reported in a large population database, indicating this variant is rare. This variant is interpreted as likely pathogenic.